The following is an entry in ClinVar:

ClinVar aggregate classification (germline): Pathogenic (1 of 4 stars; one submission).

Conditions:
3-methylcrotonyl-CoA carboxylase 2 deficiency. Also called: METHYLCROTONYLGLYCINURIA, TYPE II; 3 alpha methylcrotonyl-CoA carboxylase 2 deficiency; 3 alpha methylcrotonylglycinuria 2; MCC 2 deficiency; Methylcrotonylglycinuria type 2. Identifiers: Orphanet 6, MedGen C1859499, MONDO:0008862, OMIM 210210.

Submission:

Myriad Genetics, Inc.
Classification: Pathogenic for 3-methylcrotonyl-CoA carboxylase 2 deficiency. Last evaluated: 2026-04-01. Review status: criteria provided, single submitter. Criteria: Myriad Autosomal Dominant, Autosomal Recessive and X-Linked Classification Criteria (2023). Collection method: clinical testing. Allele origin: unknown.
Comment: NM_022132.4(MCCC2):c.461delT(L154Yfs*17) is expected to be pathogenic in the context of 3-methylcrotonyl-CoA carboxylase deficiency, MCCC2-related. This variant is predicted to lead to an abnormal or absent protein product due to the creation of a premature termination codon in MCCC2, a gene where loss-of-function variants are known to be pathogenic. Please note: this variant was assessed in the context of healthy population screening.

NM_022132.5(MCCC2):c.461del (p.Leu154fs)

Gene: MCCC2 (methylcrotonyl-CoA carboxylase subunit 2; plus strand). Cytogenetic location: 5q13.2.
Variant type: Deletion.
Coding change: c.461del on transcript NM_022132.5 (MANE Select); coding-DNA position 461, one base deleted (T; older notation c.461delT).
Protein change: p.Leu154fs; shifts the reading frame from leucine 154.
Molecular consequence: frameshift variant.
Genome position (GRCh38, 1-based): chr5:71,602,583, T deleted; the last of 2 consecutive T bases (chr5:71,602,582-71,602,583); deleting either gives the same sequence. VCF-style (leftmost placement, unchanged base first): chr5-71602581-AT-A. GRCh37 (hg19) VCF-style: chr5-70898408-AT-A.
Other names: c.461del, p.Leu154fs (NM_001363147.1); short protein forms L154fs.
Identifiers: ClinVar variation 5015752 (VCV005015752.1).